The following is an entry in ClinVar:

NM_001134407.3(GRIN2A):c.3504C>G (p.Asn1168Lys)

Gene: GRIN2A (glutamate ionotropic receptor NMDA type subunit 2A; minus strand). Cytogenetic location: 16p13.2.
Variant type: single nucleotide variant.
Coding change: c.3504C>G on transcript NM_001134407.3 (MANE Select); coding-DNA position 3504, C replaced by G.
Protein change: p.Asn1168Lys; replaces asparagine 1168 with lysine.
Molecular consequence: missense variant.
Genome position (GRCh38, 1-based): chr16:9,764,040, G>C on the plus strand (C>G on the coding strand, the complement: GRIN2A is on the minus strand). VCF-style: chr16-9764040-G-C. GRCh37 (hg19) VCF-style: chr16-9857897-G-C.
Other names: c.3504C>G, p.Asn1168Lys (NM_000833.5, NM_001134408.2); short protein forms N1168K.
Identifiers: ClinVar variation 1732096 (VCV001732096.8), dbSNP rs999523910, ClinGen allele CA277537203.

ClinVar aggregate classification (germline): Uncertain significance. Review status: criteria provided, multiple submitters, no conflicts (2 of 4 stars). 2 submissions from 2 submitters: Uncertain significance (2). Last evaluated 2025-10-22.

Conditions:
Landau-Kleffner syndrome (FESD). Also called: EPILEPSY, FOCAL, WITH SPEECH DISORDER AND WITH OR WITHOUT MENTAL RETARDATION; APHASIA, ACQUIRED, WITH EPILEPSY. Identifiers: Orphanet 1945, Orphanet 725, Orphanet 98818, MedGen C0282512, MONDO:0009509, OMIM 245570.
Inborn genetic diseases. Identifiers: MedGen C0950123, MeSH D030342.

Allele frequency attached by ClinVar (database versions not stated): gnomAD 0.00001.
gnomAD v4.1: 3 of 1,613,902 alleles (0.00019%); highest among the groups gnomAD compares: Non-Finnish European, 0.00025%; no homozygotes.

Submissions (2):

Ambry Genetics
Classification: Uncertain significance for Inborn genetic diseases. Last evaluated: 2025-10-22. Review status: criteria provided, single submitter. Criteria: Ambry Variant Classification Scheme 2023. Collection method: clinical testing. Allele origin: germline.

Labcorp Genetics (formerly Invitae), Labcorp
Classification: Uncertain significance for Landau-Kleffner syndrome. Last evaluated: 2024-02-13. Review status: criteria provided, single submitter. Criteria: Invitae Variant Classification Sherloc (09022015). Collection method: clinical testing. Allele origin: germline.
Comment: This sequence change replaces asparagine, which is neutral and polar, with lysine, which is basic and polar, at codon 1168 of the GRIN2A protein (p.Asn1168Lys). This variant is present in population databases (no rsID available, gnomAD 0.007%). This variant has not been reported in the literature in individuals affected with GRIN2A-related conditions. ClinVar contains an entry for this variant (Variation ID: 1732096). Advanced modeling of protein sequence and biophysical properties (such as structural, functional, and spatial information, amino acid conservation, physicochemical variation, residue mobility, and thermodynamic stability) performed at Invitae indicates that this missense variant is not expected to disrupt GRIN2A protein function with a negative predictive value of 95%. In summary, the available evidence is currently insufficient to determine the role of this variant in disease. Therefore, it has been classified as a Variant of Uncertain Significance.